The following is an entry in ClinVar:

ClinVar aggregate classification (germline): Uncertain significance (1 of 4 stars; one submission).

Conditions:
Dilated cardiomyopathy 1P (CMD1P). Identifiers: Orphanet 154, MedGen C1835928, MONDO:0012362, OMIM 609909.

gnomAD v4.1: 1 of 1,611,380 alleles (0.000062%); highest among the groups gnomAD compares: Non-Finnish European, 0.000085%; no homozygotes.

Submission:

Labcorp Genetics (formerly Invitae), Labcorp
Classification: Uncertain significance for Dilated cardiomyopathy 1P. Last evaluated: 2025-11-11. Review status: criteria provided, single submitter. Criteria: Invitae Variant Classification Sherloc (09022015). Collection method: clinical testing. Allele origin: germline.
Comment: This sequence change replaces isoleucine, which is neutral and non-polar, with threonine, which is neutral and polar, at codon 40 of the PLN protein (p.Ile40Thr). This variant is not present in population databases (gnomAD no frequency). This variant has not been reported in the literature in individuals affected with PLN-related conditions. An algorithm developed to predict the effect of missense changes on protein structure and function (PolyPhen-2) suggests that this variant is likely to be tolerated. In summary, the available evidence is currently insufficient to determine the role of this variant in disease. Therefore, it has been classified as a Variant of Uncertain Significance.

NM_002667.5(PLN):c.119T>C (p.Ile40Thr)

Genes: PLN (phospholamban; plus strand), CEP85L (centrosomal protein 85L; minus strand). Cytogenetic location: 6q22.31.
Variant type: single nucleotide variant.
Coding change: c.119T>C on transcript NM_002667.5 (MANE Select); coding-DNA position 119, T replaced by C.
Protein change: p.Ile40Thr; replaces isoleucine 40 with threonine.
Molecular consequence: missense variant. On other transcripts: intron variant (3).
Genome position (GRCh38, 1-based): chr6:118,559,040, T>C. VCF-style: chr6-118559040-T-C. GRCh37 (hg19) VCF-style: chr6-118880203-T-C.
Other names: c.1029+6489A>G (NM_001178035.2); c.1020+6489A>G (NM_001042475.3, NM_206921.3); short protein forms I40T.
Identifiers: ClinVar variation 4763063 (VCV004763063.1).